The following is an entry in ClinVar:

NM_001145358.2(SIN3A):c.2255A>G (p.Glu752Gly)

Gene: SIN3A (SIN3 transcription regulator family member A; minus strand). Cytogenetic location: 15q24.2.
Variant type: single nucleotide variant.
Coding change: c.2255A>G on transcript NM_001145358.2 (MANE Select); coding-DNA position 2255, A replaced by G.
Protein change: p.Glu752Gly; replaces glutamic acid 752 with glycine.
Molecular consequence: missense variant.
Genome position (GRCh38, 1-based): chr15:75,394,702, T>C on the plus strand (A>G on the coding strand, the complement: SIN3A is on the minus strand). VCF-style: chr15-75394702-T-C. GRCh37 (hg19) VCF-style: chr15-75687043-T-C.
Other names: c.2255A>G, p.Glu752Gly (NM_001145357.2, NM_001437462.1, NM_001437463.1 and 1 more transcripts); short protein forms E752G.
Identifiers: ClinVar variation 5008908 (VCV005008908.1).

ClinVar aggregate classification (germline): Uncertain significance (1 of 4 stars; one submission).

Submission:

GeneDx
Classification: Uncertain significance. Last evaluated: 2026-03-10. Review status: criteria provided, single submitter. Criteria: GeneDx Variant Classification Process June 2021. Collection method: clinical testing. Allele origin: germline.
Comment: Not observed at significant frequency in large population cohorts (gnomAD); In silico analysis supports that this missense variant has a deleterious effect on protein structure/function; Has not been previously published as pathogenic or benign to our knowledge